The following is an entry in ClinVar:

NM_000138.5(FBN1):c.7780dup (p.Gln2594fs)

Gene: FBN1 (fibrillin 1; minus strand). Cytogenetic location: 15q21.1.
Variant type: Duplication.
Coding change: c.7780dup on transcript NM_000138.5 (MANE Select); coding-DNA position 7780, one base duplicated (C; older notation c.7780dupC).
Protein change: p.Gln2594fs; shifts the reading frame from glutamine 2594.
Molecular consequence: frameshift variant.
Genome position (GRCh38, 1-based): chr15:48,420,726, G duplicated on the plus strand (C on the coding strand, the reverse complement: FBN1 is on the minus strand); the first of 5 consecutive G bases (chr15:48,420,726-48,420,730); duplicating any one gives the same sequence. VCF-style (leftmost placement, unchanged base first): chr15-48420725-T-TG. GRCh37 (hg19) VCF-style: chr15-48712922-T-TG.
Other names: c.7780dupC (NM_000138.4); short protein forms Q2594fs.
Identifiers: ClinVar variation 519788 (VCV000519788.5), dbSNP rs1555394146, ClinGen allele CA658798042.

ClinVar aggregate classification (germline): Pathogenic (1 of 4 stars; one submission).

Conditions:
Familial thoracic aortic aneurysm and aortic dissection (TAAD). Also called: Thoracic aortic aneurysms and dissections. Identifiers: Orphanet 91387, MedGen C4707243, MONDO:0019625.

Submission:

Ambry Genetics
Classification: Pathogenic for Familial thoracic aortic aneurysm and aortic dissection. Last evaluated: 2017-08-14. Review status: criteria provided, single submitter. Criteria: Ambry Variant Classification Scheme 2023. Collection method: clinical testing. Allele origin: germline.
Comment: The c.7780dupC pathogenic mutation, located in coding exon 62 of the FBN1 gene, results from a duplication of C at nucleotide position 7780, causing a translational frameshift with a predicted alternate stop codon (p.Q2594Pfs*14). This alteration is expected to result in loss of function by premature protein truncation or nonsense-mediated mRNA decay. As such, this alteration is interpreted as a disease-causing mutation.